The following is an entry in ClinVar:

NM_001080495.3(TNRC18):c.1757A>G (p.Gln586Arg)

Gene: TNRC18 (trinucleotide repeat containing 18; minus strand). Cytogenetic location: 7p22.1.
Variant type: single nucleotide variant.
Coding change: c.1757A>G on transcript NM_001080495.3 (MANE Select); coding-DNA position 1757, A replaced by G.
Protein change: p.Gln586Arg; replaces glutamine 586 with arginine.
Molecular consequence: missense variant.
Genome position (GRCh38, 1-based): chr7:5,388,067, T>C on the plus strand (A>G on the coding strand, the complement: TNRC18 is on the minus strand). VCF-style: chr7-5388067-T-C. GRCh37 (hg19) VCF-style: chr7-5427698-T-C.
Other names: short protein forms Q586R.
Identifiers: ClinVar variation 2386870 (VCV002386870.3), dbSNP rs767542688, ClinGen allele CA4145580.

ClinVar aggregate classification (germline): Uncertain significance (1 of 4 stars; one submission).

Allele frequency attached by ClinVar (database versions not stated): gnomAD exomes 0.00002; TOPMed 0.00003; gnomAD 0.00002.
gnomAD v4.1: 38 of 1,556,966 alleles (0.0024%); highest among the groups gnomAD compares: Admixed American, 0.017%; no homozygotes.

Submission:

Ambry Genetics
Classification: Uncertain significance. Last evaluated: 2026-06-17. Review status: criteria provided, single submitter. Criteria: Ambry Variant Classification Scheme 2023. Collection method: clinical testing. Allele origin: germline.
Comment: The c.1757A>G (p.Q586R) alteration is located in exon 5 (coding exon 4) of the TNRC18 gene. This alteration results from a A to G substitution at nucleotide position 1757, causing the glutamine (Q) at amino acid position 586 to be replaced by an arginine (R). Based on data from gnomAD, the G allele has an overall frequency of 0.006% (9/153944) total alleles studied. The highest observed frequency was 0.028% (7/25122) of Latino alleles. Based on insufficient or conflicting evidence, the clinical significance of this alteration remains unclear.